The following is an entry in ClinVar:

ClinVar aggregate classification (germline): Uncertain significance (1 of 4 stars; one submission).

Submission:

GeneDx
Classification: Uncertain significance. Last evaluated: 2024-05-17. Review status: criteria provided, single submitter. Criteria: GeneDx Variant Classification Process June 2021. Collection method: clinical testing. Allele origin: germline. Affected: yes.
Comment: Not observed at significant frequency in large population cohorts (gnomAD); In silico analysis indicates that this missense variant does not alter protein structure/function; Has not been previously published as pathogenic or benign to our knowledge

NM_003047.5(SLC9A1):c.1818G>C (p.Met606Ile)

Gene: SLC9A1 (solute carrier family 9 member A1; minus strand). Cytogenetic location: 1p36.11.
Variant type: single nucleotide variant.
Coding change: c.1818G>C on transcript NM_003047.5 (MANE Select); coding-DNA position 1818, G replaced by C.
Protein change: p.Met606Ile; replaces methionine 606 with isoleucine.
Molecular consequence: missense variant. On other transcripts: non-coding transcript variant (1).
Genome position (GRCh38, 1-based): chr1:27,102,387, C>G on the plus strand (G>C on the coding strand, the complement: SLC9A1 is on the minus strand). VCF-style: chr1-27102387-C-G. GRCh37 (hg19) VCF-style: chr1-27428878-C-G.
Other names: short protein forms M606I.
Identifiers: ClinVar variation 3377974 (VCV003377974.1).